The following is an entry in ClinVar:

NM_001134407.3(GRIN2A):c.2008-36C>T

Gene: GRIN2A (glutamate ionotropic receptor NMDA type subunit 2A; minus strand). Cytogenetic location: 16p13.2.
Variant type: single nucleotide variant.
Coding change: c.2008-36C>T on transcript NM_001134407.3 (MANE Select); 36 bases into the intron before coding-DNA position 2008, C replaced by T.
Molecular consequence: intron variant.
Genome position (GRCh38, 1-based): chr16:9,822,460, G>A on the plus strand (C>T on the coding strand, the complement: GRIN2A is on the minus strand). VCF-style: chr16-9822460-G-A. GRCh37 (hg19) VCF-style: chr16-9916317-G-A.
Other names: c.2008-36C>T (NM_001134408.2, NM_000833.5).
Identifiers: ClinVar variation 670887 (VCV000670887.2), dbSNP rs35524162, ClinGen allele CA7896601.

ClinVar aggregate classification (germline): Likely benign. Review status: criteria provided, multiple submitters, no conflicts (2 of 4 stars). 2 submissions from 2 submitters: Likely benign (2). Last evaluated 2018-06-19.

Allele frequency attached by ClinVar (database versions not stated): 1000 Genomes Project 30x 0.00765; 1000 Genomes Project 0.00779; ESP Exome Variant Server 0.01662; TOPMed 0.01735; gnomAD 0.01773 and 0.01794; gnomAD exomes 0.01923; ExAC 0.01970.
gnomAD v4.1: 32,486 of 1,400,910 alleles (2.3%); highest among the groups gnomAD compares: Non-Finnish European, 2.8%; 454 homozygotes.

Submissions (2):

GeneDx
Classification: Likely benign. Last evaluated: 2018-06-19. Review status: criteria provided, single submitter. Criteria: GeneDx Variant Classification (06012015). Collection method: clinical testing. Allele origin: germline. Affected: yes.
Comment: This variant is considered likely benign or benign based on one or more of the following criteria: it is a conservative change, it occurs at a poorly conserved position in the protein, it is predicted to be benign by multiple in silico algorithms, and/or has population frequency not consistent with disease.

Breakthrough Genomics
Classification: Likely benign. Review status: criteria provided, single submitter. Criteria: ACMG Guidelines, 2015. Collection method: not provided. Allele origin: germline. Inheritance: Autosomal dominant inheritance. Affected: yes.